The following is an entry in ClinVar:

NM_003998.4(NFKB1):c.1783C>T (p.Gln595Ter)

Gene: NFKB1 (nuclear factor kappa B subunit 1; plus strand). Cytogenetic location: 4q24.
Variant type: single nucleotide variant.
Coding change: c.1783C>T on transcript NM_003998.4 (MANE Select); coding-DNA position 1783, C replaced by T.
Protein change: p.Gln595Ter; replaces glutamine 595 with a stop codon.
Molecular consequence: nonsense.
Genome position (GRCh38, 1-based): chr4:102,606,526, C>T. VCF-style: chr4-102606526-C-T. GRCh37 (hg19) VCF-style: chr4-103527683-C-T.
Other names: c.1780C>T, p.Gln594Ter (NM_001165412.2, NM_001319226.2, NM_001382627.1); c.1783C>T, p.Gln595Ter (NM_001382625.1, NM_001382626.1); c.1741C>T, p.Gln581Ter (NM_001382628.1); short protein forms Q581*, Q595*, Q594*.
Identifiers: ClinVar variation 2179899 (VCV002179899.4), dbSNP rs2476539670, ClinGen allele CA357751894.

ClinVar aggregate classification (germline): Pathogenic (1 of 4 stars; one submission).

Submission:

Labcorp Genetics (formerly Invitae), Labcorp
Classification: Pathogenic. Last evaluated: 2021-12-13. Review status: criteria provided, single submitter. Criteria: Invitae Variant Classification Sherloc (09022015). Collection method: clinical testing. Allele origin: germline.
Comment: For these reasons, this variant has been classified as Pathogenic. Algorithms developed to predict the effect of sequence changes on RNA splicing suggest that this variant may create or strengthen a splice site. This variant has not been reported in the literature in individuals affected with NFKB1-related conditions. This variant is not present in population databases (gnomAD no frequency). This sequence change creates a premature translational stop signal (p.Gln595*) in the NFKB1 gene. It is expected to result in an absent or disrupted protein product. Loss-of-function variants in NFKB1 are known to be pathogenic (PMID: 26279205, 29477724).

Literature cited by the submitters: PubMed 26279205; PubMed 29477724.